The following is an entry in ClinVar:

NM_000053.4(ATP7B):c.1286-15G>A

Gene: ATP7B (ATPase copper transporting beta; minus strand). Cytogenetic location: 13q14.3.
Variant type: single nucleotide variant.
Coding change: c.1286-15G>A on transcript NM_000053.4 (MANE Select); 15 bases into the intron before coding-DNA position 1286, G replaced by A.
Molecular consequence: intron variant.
Genome position (GRCh38, 1-based): chr13:51,970,764, C>T on the plus strand (G>A on the coding strand, the complement: ATP7B is on the minus strand). VCF-style: chr13-51970764-C-T. GRCh37 (hg19) VCF-style: chr13-52544900-C-T.
Other names: c.1286-15G>A (NM_001406515.1, NM_001406525.1, NM_001406523.1 and 28 more transcripts); c.1190-15G>A (NM_001406518.1, NM_001406544.1, NM_001406536.1 and 3 more transcripts); c.857-15G>A (NM_001406539.1); c.953-15G>A (NM_001243182.2); c.1285+3171G>A (NM_001406548.1).
Identifiers: ClinVar variation 3075258 (VCV003075258.1), dbSNP rs2547795671, ClinGen allele CA2825002192.

ClinVar aggregate classification (germline): Likely benign (1 of 4 stars; one submission).

Conditions:
Wilson disease (WND). Also called: Wilson's disease. Identifiers: Orphanet 905, MedGen C0019202, MONDO:0010200, OMIM 277900. Disease mechanism: loss of function.

Submission:

All of Us Research Program, National Institutes of Health
Classification: Likely benign for Wilson disease. Last evaluated: 2024-01-03. Review status: criteria provided, single submitter. Criteria: ACMG Guidelines, 2015. Collection method: clinical testing. Allele origin: germline. Inheritance: Autosomal recessive inheritance. Observed: 1 variant allele, 1 heterozygote.
Comment: This study involves interpretation of variants in research participants for the purpose of population health screening. Participant phenotype was not available at the time of variant classification. Additional details can be found in publication PMID: 35346344, PMCID: PMC8962531